The following is an entry in ClinVar:

NM_018398.3(CACNA2D3):c.1870C>A (p.His624Asn)

Genes: CACNA2D3 (calcium voltage-gated channel auxiliary subunit alpha2delta 3; plus strand), CACNA2D3-AS1 (CACNA2D3 antisense RNA 1; minus strand). Cytogenetic location: 3p14.3.
Variant type: single nucleotide variant.
Coding change: c.1870C>A on transcript NM_018398.3 (MANE Select); coding-DNA position 1870, C replaced by A.
Protein change: p.His624Asn; replaces histidine 624 with asparagine.
Molecular consequence: missense variant.
Genome position (GRCh38, 1-based): chr3:54,880,821, C>A. VCF-style: chr3-54880821-C-A. GRCh37 (hg19) VCF-style: chr3-54914848-C-A.
Other names: short protein forms H624N.
Identifiers: ClinVar variation 2635505 (VCV002635505.1), dbSNP rs2470924201, ClinGen allele CA353389336.

ClinVar aggregate classification (germline): Uncertain significance (1 of 4 stars; one submission).

Conditions:
CACNA2D3-related disorder. Also called: CACNA2D3-related condition.

Submission:

PreventionGenetics, part of Exact Sciences
Classification: Uncertain significance for CACNA2D3-related condition. Last evaluated: 2023-01-13. Review status: criteria provided, single submitter. Criteria: ACMG Guidelines, 2015. Collection method: clinical testing. Allele origin: germline.
Comment: The CACNA2D3 c.1870C>A variant is predicted to result in the amino acid substitution p.His624Asn. To our knowledge, this variant has not been reported in the literature or in a large population database, indicating this variant is rare. At this time, the clinical significance of this variant is uncertain due to the absence of conclusive functional and genetic evidence.